The following is an entry in ClinVar:

NM_012448.4(STAT5B):c.2215C>T (p.His739Tyr)

Gene: STAT5B (signal transducer and activator of transcription 5B; minus strand). Cytogenetic location: 17q21.2.
Variant type: single nucleotide variant.
Coding change: c.2215C>T on transcript NM_012448.4 (MANE Select); coding-DNA position 2215, C replaced by T.
Protein change: p.His739Tyr; replaces histidine 739 with tyrosine.
Molecular consequence: missense variant.
Genome position (GRCh38, 1-based): chr17:42,202,362, G>A on the plus strand (C>T on the coding strand, the complement: STAT5B is on the minus strand). VCF-style: chr17-42202362-G-A. GRCh37 (hg19) VCF-style: chr17-40354380-G-A.
Other names: short protein forms H739Y.
Identifiers: ClinVar variation 842829 (VCV000842829.12), dbSNP rs372734271, ClinGen allele CA8573832.

ClinVar aggregate classification (germline): Uncertain significance. Review status: criteria provided, multiple submitters, no conflicts (2 of 4 stars). 3 submissions from 3 submitters: Uncertain significance (3). Last evaluated 2025-09-22.

Conditions:
Inborn genetic diseases. Identifiers: MedGen C0950123, MeSH D030342.
Growth hormone insensitivity with immune dysregulation 1, autosomal recessive. Also called: GROWTH HORMONE INSENSITIVITY SYNDROME WITH IMMUNE DYSREGULATION 1, AUTOSOMAL RECESSIVE; Laron syndrome with immunodeficiency; GROWTH HORMONE INSENSITIVITY DUE TO POSTRECEPTOR DEFECT; LARON SYNDROME DUE TO POSTRECEPTOR DEFECT. Identifiers: Orphanet 220465, MedGen C5435698, MONDO:0100211, OMIM 245590.

Allele frequency attached by ClinVar (database versions not stated): ExAC 0.00002; gnomAD exomes 0.00002; gnomAD 0.00003; TOPMed 0.00004; ESP Exome Variant Server 0.00008.
gnomAD v4.1: 35 of 1,614,108 alleles (0.0022%); highest among the groups gnomAD compares: Middle Eastern, 0.066%; no homozygotes.

Submissions (3):

Labcorp Genetics (formerly Invitae), Labcorp
Classification: Uncertain significance for Growth hormone insensitivity with immune dysregulation 1, autosomal recessive. Last evaluated: 2025-09-22. Review status: criteria provided, single submitter. Criteria: Invitae Variant Classification Sherloc (09022015). Collection method: clinical testing. Allele origin: germline.
Comment: This sequence change replaces histidine, which is basic and polar, with tyrosine, which is neutral and polar, at codon 739 of the STAT5B protein (p.His739Tyr). This variant is present in population databases (rs372734271, gnomAD 0.004%). This variant has not been reported in the literature in individuals affected with STAT5B-related conditions. ClinVar contains an entry for this variant (Variation ID: 842829). An algorithm developed to predict the effect of missense changes on protein structure and function (PolyPhen-2) suggests that this variant is likely to be tolerated. In summary, the available evidence is currently insufficient to determine the role of this variant in disease. Therefore, it has been classified as a Variant of Uncertain Significance.

Ambry Genetics
Classification: Uncertain significance for Inborn genetic diseases. Last evaluated: 2024-08-14. Review status: criteria provided, single submitter. Criteria: Ambry Variant Classification Scheme 2023. Collection method: clinical testing. Allele origin: germline.

Breakthrough Genomics
Classification: Uncertain significance. Review status: criteria provided, single submitter. Criteria: ACMG Guidelines, 2015. Collection method: not provided. Allele origin: germline. Inheritance: Autosomal recessive inheritance. Affected: yes.